The following is an entry in ClinVar:

NM_004826.4(ECEL1):c.557C>G (p.Ser186Trp)

Gene: ECEL1 (endothelin converting enzyme like 1; minus strand). Cytogenetic location: 2q37.1.
Variant type: single nucleotide variant.
Coding change: c.557C>G on transcript NM_004826.4 (MANE Select); coding-DNA position 557, C replaced by G.
Protein change: p.Ser186Trp; replaces serine 186 with tryptophan.
Molecular consequence: missense variant.
Genome position (GRCh38, 1-based): chr2:232,486,097, G>C on the plus strand (C>G on the coding strand, the complement: ECEL1 is on the minus strand). VCF-style: chr2-232486097-G-C. GRCh37 (hg19) VCF-style: chr2-233350807-G-C.
Other names: c.557C>G, p.Ser186Trp (NM_001290787.2); c.557C>G (NM_004826.2); short protein forms S186W.
Identifiers: ClinVar variation 1685759 (VCV001685759.2), dbSNP rs1176131791, ClinGen allele CA351003175.
Genomic context (GRCh38, chr2:232,486,097, plus strand): 5'-TCGATGACCTCTAGCATGGGTCGCGGGCCCAGTCGCTCGATCTCGCGCATGTCGAGGCAC[G>C]AGCGGAAGAAGGCGCGCACCTTGCGCTGGGCCGCGCCGCCAGGCCCACCCCCGGGCCGCG-3'
Protein context (NP_004817.2, residues 176-196): AQRKVRAFFR[Ser186Trp]CLDMREIERL

ClinVar aggregate classification (germline): Conflicting classifications of pathogenicity. Review status: criteria provided, conflicting classifications (1 of 4 stars). 2 submissions from 2 submitters: Pathogenic (1); Uncertain significance (1). Last evaluated 2025-03-20.

Conditions:
Distal arthrogryposis type 5D (DA5D). Identifiers: Orphanet 329457, MedGen C3554415, MONDO:0014028, OMIM 615065.

Submissions (2):

GeneDx
Classification: Uncertain significance. Last evaluated: 2025-03-20. Review status: criteria provided, single submitter. Criteria: GeneDx Variant Classification Process June 2021. Collection method: clinical testing. Allele origin: germline. Affected: yes.
Comment: Not observed at significant frequency in large population cohorts (gnomAD); In silico analysis supports that this missense variant has a deleterious effect on protein structure/function; Has not been previously published as pathogenic or benign to our knowledge

Mendelics
Classification: Pathogenic for Distal arthrogryposis type 5D. Last evaluated: 2022-05-04. Review status: criteria provided, single submitter. Criteria: Mendelics Assertion Criteria 2019. Collection method: clinical testing. Allele origin: germline.